The following is an entry in ClinVar:

ClinVar aggregate classification (germline): Uncertain significance (1 of 4 stars; one submission).

Submission:

CeGaT Center for Human Genetics Tuebingen
Classification: Uncertain significance. Last evaluated: 2023-06-01. Review status: criteria provided, single submitter. Criteria: CeGaT Center For Human Genetics Tuebingen Variant Classification Criteria Version 2. Collection method: clinical testing. Allele origin: germline. Affected: yes. Observed: 1 variant allele.
Comment: GALNT2: PM2

NM_004481.5(GALNT2):c.97G>A (p.Gly33Arg)

Genes: GALNT2 (polypeptide N-acetylgalactosaminyltransferase 2; plus strand), LOC129932743 (ATAC-STARR-seq lymphoblastoid silent region 1936; plus strand). Cytogenetic location: 1q42.13.
Variant type: single nucleotide variant.
Coding change: c.97G>A on transcript NM_004481.5 (MANE Select); coding-DNA position 97, G replaced by A.
Protein change: p.Gly33Arg; replaces glycine 33 with arginine.
Molecular consequence: missense variant. On other transcripts: non-coding transcript variant (1), intron variant (1).
Genome position (GRCh38, 1-based): chr1:230,067,377, G>A. VCF-style: chr1-230067377-G-A. GRCh37 (hg19) VCF-style: chr1-230203124-G-A.
Other names: c.12+9299G>A (NM_001291866.2); short protein forms G33R.
Identifiers: ClinVar variation 2640066 (VCV002640066.24), dbSNP rs1182667186, ClinGen allele CA345340057.